The following is an entry in ClinVar:

ClinVar aggregate classification (germline): Pathogenic/Likely pathogenic. Review status: criteria provided, multiple submitters, no conflicts (2 of 4 stars). 6 submissions from 6 submitters: Pathogenic (4); Likely pathogenic (2). Last evaluated 2025-12-20.

Conditions:
ERCC5-related disorders.
Xeroderma pigmentosum (XP). Identifiers: Orphanet 910, MedGen C0043346, MONDO:0019600.
Xeroderma pigmentosum, group G (XPG). Also called: XERODERMA PIGMENTOSUM VII; XP, GROUP G; Xeroderma pigmentosum type 7; ERCC5-Related Xeroderma Pigmentosum. Identifiers: MedGen C0268141, MONDO:0010216, OMIM 278780.

Allele frequency attached by ClinVar (database versions not stated): gnomAD 0.00001.

Submissions (6):

Labcorp Genetics (formerly Invitae), Labcorp
Classification: Pathogenic. Last evaluated: 2025-12-20. Review status: criteria provided, single submitter. Criteria: Invitae Variant Classification Sherloc (09022015). Collection method: clinical testing. Allele origin: germline.
Comment: This sequence change creates a premature translational stop signal (p.Arg69*) in the ERCC5 gene. It is expected to result in an absent or disrupted protein product. Loss-of-function variants in ERCC5 are known to be pathogenic (PMID: 23370536, 24700531, 30919937). This variant is not present in population databases (gnomAD no frequency). This premature translational stop signal has been observed in individual(s) with clinical features of ERCC5-related conditions (PMID: 27391121, 31395954). ClinVar contains an entry for this variant (Variation ID: 3064167). Algorithms developed to predict the effect of sequence changes on RNA splicing suggest that this variant may disrupt the consensus splice site. For these reasons, this variant has been classified as Pathogenic.

Blueprint Genetics
Classification: Pathogenic for ERCC5-related disorders. Last evaluated: 2024-11-22. Review status: criteria provided, single submitter. Criteria: ACMG Guidelines, 2015. Collection method: clinical testing. Allele origin: germline. Affected: yes. Observed: 5 variant alleles.

Dubai Health Genomic Medicine Center, Dubai Health
Classification: Likely pathogenic for Xeroderma pigmentosum. Last evaluated: 2024-10-04. Review status: criteria provided, single submitter. Criteria: ACMG Guidelines, 2015. Collection method: research. Allele origin: germline. Affected: yes.
Comment: PVS1,PM2

3billion
Classification: Pathogenic for Xeroderma pigmentosum, group G. Last evaluated: 2024-06-28. Review status: criteria provided, single submitter. Criteria: ACMG Guidelines, 2015. Collection method: clinical testing. Allele origin: germline. Affected: yes.
Comment: The variant is observed at an extremely low frequency in the gnomAD v4.0.0 dataset (total allele frequency: <0.001%). Predicted Consequence/Location: Stop-gained (nonsense): predicted to result in a loss or disruption of normal protein function through nonsense-mediated decay (NMD) or protein truncation. Multiple pathogenic variants are reported downstream of the variant. The variant has been reported to be associated with ERCC5-related disorder (ClinVar ID: VCV003064167 /PMID: 27391121). Therefore, this variant is classified as Pathogenic according to the recommendation of ACMG/AMP guideline.

GeneDx
Classification: Pathogenic. Last evaluated: 2024-05-03. Review status: criteria provided, single submitter. Criteria: GeneDx Variant Classification Process June 2021. Collection method: clinical testing. Allele origin: germline. Affected: yes.
Comment: Nonsense variant predicted to result in protein truncation or nonsense mediated decay in a gene for which loss of function is a known mechanism of disease; Not observed at significant frequency in large population cohorts (gnomAD); This variant is associated with the following publications: (PMID: 27391121, 31395954, 35988656, 36403551)

Genomic Medicine Center of Excellence, King Faisal Specialist Hospital and Research Centre
Classification: Likely pathogenic for Xeroderma pigmentosum, group G. Last evaluated: 2024-03-17. Review status: criteria provided, single submitter. Criteria: ACMG Guidelines, 2015. Collection method: research. Allele origin: germline.

Literature cited by the submitters: PubMed 23370536 (cited by Labcorp Genetics (formerly Invitae), Labcorp); PubMed 24700531 (cited by Labcorp Genetics (formerly Invitae), Labcorp); PubMed 30919937 (cited by Labcorp Genetics (formerly Invitae), Labcorp); PubMed 27391121 (cited by Labcorp Genetics (formerly Invitae), Labcorp and 3billion); PubMed 31395954 (cited by Labcorp Genetics (formerly Invitae), Labcorp).

NM_000123.4(ERCC5):c.205C>T (p.Arg69Ter)

Genes: BIVM-ERCC5 (BIVM-ERCC5 readthrough; plus strand), ERCC5 (ERCC excision repair 5, endonuclease; plus strand). Cytogenetic location: 13q33.1.
Variant type: single nucleotide variant.
Coding change: c.205C>T on transcript NM_000123.4 (MANE Select); coding-DNA position 205, C replaced by T.
Protein change: p.Arg69Ter; replaces arginine 69 with a stop codon.
Molecular consequence: nonsense.
Genome position (GRCh38, 1-based): chr13:102,852,234, C>T. VCF-style: chr13-102852234-C-T. GRCh37 (hg19) VCF-style: chr13-103504584-C-T.
Other names: c.1567C>T, p.Arg523Ter (NM_001204425.2); short protein forms R523*, R69*.
Identifiers: ClinVar variation 3064167 (VCV003064167.7), dbSNP rs1882232971, ClinGen allele CA388566955.
Genomic context (GRCh38, chr13:102,852,234, plus strand): 5'-TCAATAGAAAATCCTCATCTTCTCACTTTGTTTCATCGGCTCTGCAAACTCTTATTTTTT[C>T]GAATTCGTCCTATTTTTGTGTTTGATGGGGATGCTCCACTATTGAAGAAACAGACTTTGG-3'